The following is an entry in ClinVar:

ClinVar aggregate classification (germline): Uncertain significance. Review status: criteria provided, multiple submitters, no conflicts (2 of 4 stars). 2 submissions from 2 submitters: Uncertain significance (2). Last evaluated 2023-12-18.

Conditions:
Catecholaminergic polymorphic ventricular tachycardia (CVPT). Also called: Catecholamine-induced polymorphic ventricular tachycardia. Identifiers: Orphanet 3286, MedGen C5574922, MONDO:0017990.
Catecholaminergic polymorphic ventricular tachycardia 1. Also called: VENTRICULAR TACHYCARDIA, STRESS-INDUCED POLYMORPHIC 1; VENTRICULAR TACHYCARDIA, CATECHOLAMINERGIC POLYMORPHIC, 1, WITH OR WITHOUT ATRIAL DYSFUNCTION AND/OR DILATED CARDIOMYOPATHY; RYR2-Related Catecholaminergic Polymorphic Ventricular Tachycardia. Identifiers: Orphanet 3286, MedGen C1631597, MONDO:0011484, OMIM 604772.

Allele frequency attached by ClinVar (database versions not stated): TOPMed 0.00001.

Submissions (2):

All of Us Research Program, National Institutes of Health
Classification: Uncertain significance for Catecholaminergic polymorphic ventricular tachycardia. Last evaluated: 2023-12-18. Review status: criteria provided, single submitter. Criteria: ACMG Guidelines, 2015. Collection method: clinical testing. Allele origin: germline. Inheritance: Autosomal dominant inheritance. Observed: 2 variant alleles, 2 heterozygotes.
Comment: This missense variant replaces threonine with arginine at codon 1464 of the RYR2 protein. Computational prediction suggests that this variant may not impact protein structure and function (internally defined REVEL score threshold <= 0.5, PMID: 27666373). To our knowledge, functional studies have not been reported for this variant. This variant has not been reported in individuals affected with RYR2-related disorders in the literature. This variant has not been identified in the general population by the Genome Aggregation Database (gnomAD). The available evidence is insufficient to determine the role of this variant in disease conclusively. Therefore, this variant is classified as a Variant of Uncertain Significance.

This study involves interpretation of variants in research participants for the purpose of population health screening. Participant phenotype was not available at the time of variant classification. Additional details can be found in publication PMID: 35346344, PMCID: PMC8962531

Labcorp Genetics (formerly Invitae), Labcorp
Classification: Uncertain significance for Catecholaminergic polymorphic ventricular tachycardia 1. Last evaluated: 2022-10-25. Review status: criteria provided, single submitter. Criteria: Invitae Variant Classification Sherloc (09022015). Collection method: clinical testing. Allele origin: germline.
Comment: In summary, the available evidence is currently insufficient to determine the role of this variant in disease. Therefore, it has been classified as a Variant of Uncertain Significance. Advanced modeling of protein sequence and biophysical properties (such as structural, functional, and spatial information, amino acid conservation, physicochemical variation, residue mobility, and thermodynamic stability) performed at Invitae indicates that this missense variant is not expected to disrupt RYR2 protein function. This variant has not been reported in the literature in individuals affected with RYR2-related conditions. This variant is not present in population databases (gnomAD no frequency). This sequence change replaces threonine, which is neutral and polar, with arginine, which is basic and polar, at codon 1464 of the RYR2 protein (p.Thr1464Arg).

NM_001035.3(RYR2):c.4391C>G (p.Thr1464Arg)

Gene: RYR2 (ryanodine receptor 2; plus strand). Cytogenetic location: 1q43.
Variant type: single nucleotide variant.
Coding change: c.4391C>G on transcript NM_001035.3 (MANE Select); coding-DNA position 4391, C replaced by G.
Protein change: p.Thr1464Arg; replaces threonine 1464 with arginine.
Molecular consequence: missense variant.
Genome position (GRCh38, 1-based): chr1:237,593,591, C>G. VCF-style: chr1-237593591-C-G. GRCh37 (hg19) VCF-style: chr1-237756891-C-G.
Other names: short protein forms T1464R.
Identifiers: ClinVar variation 2059844 (VCV002059844.5), dbSNP rs1010452511, ClinGen allele CA39805705.